The following is an entry in ClinVar:

ClinVar aggregate classification (germline): Likely benign. Review status: criteria provided, multiple submitters, no conflicts (2 of 4 stars). 3 submissions from 3 submitters: Likely benign (3). Last evaluated 2026-01-19.

Conditions:
Primary ciliary dyskinesia. Also called: Ciliary dyskinesia. Identifiers: Orphanet 244, MedGen C0008780, MONDO:0016575, HP:0012265.

Allele frequency attached by ClinVar (database versions not stated): gnomAD exomes 0.00017 and 0.00029; ExAC 0.00021; gnomAD 0.00021 and 0.00023; TOPMed 0.00025.
gnomAD v4.1: 301 of 1,613,628 alleles (0.019%); highest among the groups gnomAD compares: Middle Eastern, 0.016%; 1 homozygote.

Submissions (3):

Labcorp Genetics (formerly Invitae), Labcorp
Classification: Likely benign for Primary ciliary dyskinesia. Last evaluated: 2026-01-19. Review status: criteria provided, single submitter. Criteria: Invitae Variant Classification Sherloc (09022015). Collection method: clinical testing. Allele origin: germline.

CeGaT Center for Human Genetics Tuebingen
Classification: Likely benign. Last evaluated: 2024-09-01. Review status: criteria provided, single submitter. Criteria: CeGaT Center For Human Genetics Tuebingen Variant Classification Criteria Version 2. Collection method: clinical testing. Allele origin: germline. Affected: yes. Observed: 2 variant alleles.
Comment: DNAH11: BP4

Ambry Genetics
Classification: Likely benign for Primary ciliary dyskinesia. Last evaluated: 2022-05-09. Review status: criteria provided, single submitter. Criteria: Ambry Variant Classification Scheme 2023. Collection method: clinical testing. Allele origin: germline.

NM_001277115.2(DNAH11):c.11107G>C (p.Glu3703Gln)

Gene: DNAH11 (dynein axonemal heavy chain 11; plus strand). Cytogenetic location: 7p15.3.
Variant type: single nucleotide variant.
Coding change: c.11107G>C on transcript NM_001277115.2 (MANE Select); coding-DNA position 11107, G replaced by C.
Protein change: p.Glu3703Gln; replaces glutamic acid 3703 with glutamine.
Molecular consequence: missense variant.
Genome position (GRCh38, 1-based): chr7:21,854,360, G>C. VCF-style: chr7-21854360-G-C. GRCh37 (hg19) VCF-style: chr7-21893978-G-C.
Other names: short protein forms E3703Q.
Identifiers: ClinVar variation 410853 (VCV000410853.37), dbSNP rs762297426, ClinGen allele CA4182620.